The following is an entry in ClinVar:

ClinVar aggregate classification (germline): Pathogenic (0 of 4 stars; one submission).

Conditions:
Anophthalmia/microphthalmia-esophageal atresia syndrome (MCOPS3). Also called: MICROPHTHALMIA AND ESOPHAGEAL ATRESIA SYNDROME; AEG SYNDROME; SOX2 Disorder. Identifiers: Orphanet 77298, MedGen C1859773, MONDO:0008799, OMIM 206900.

Submission:

Anophthalmia/Microphthalmia Research Registry, Einstein Medical Center Philadelphia
Classification: Pathogenic for Anophthalmia/microphthalmia-esophageal atresia syndrome. Review status: no assertion criteria provided. Collection method: clinical testing. Allele origin: germline. Inheritance: Autosomal dominant inheritance. Affected: yes. Observed: 1 variant allele. Segregation with disease not observed.

GRCh37/hg19 3q26.33-27.1(chr3:180834336-183551661)x1

Genes: MAP6D1 (MAP6 domain containing 1; minus strand), KLHL6 (kelch like family member 6; minus strand), SOX2-OT (SOX2 overlapping transcript; plus strand), YEATS2 (YEATS domain containing 2; plus strand), MCF2L2 (MCF.2 cell line derived transforming sequence-like 2; minus strand) and 8 more. Cytogenetic location: 3q26.33-27.1.
Variant type: copy number loss.
Change: copy number 1 (one copy instead of two) of chr3:180,834,336-183,551,661 (2.72 Mb, GRCh37 coordinates, 1-based), cytogenetic band 3q26.33-27.1.
Identifiers: ClinVar variation 986761 (VCV000986761.1).